The following is an entry in ClinVar:

ClinVar aggregate classification (germline): Uncertain significance. Review status: criteria provided, multiple submitters, no conflicts (2 of 4 stars). 8 submissions from 8 submitters: Uncertain significance (6). 2 of the submissions do not count toward it. Last evaluated 2024-08-20.

Conditions:
Neuromuscular disease caused by qualitative or quantitative defects of dysferlin. Also called: Dysferlinopathy; Qualitative or quantitative defects of dysferlin. Identifiers: Orphanet 207073, MedGen C2931687, MONDO:0016145.
Autosomal recessive limb-girdle muscular dystrophy type 2B (LGMDR2). Also called: MUSCULAR DYSTROPHY, LIMB-GIRDLE, AUTOSOMAL RECESSIVE 2; Limb-girdle muscular dystrophy, type 2B; Limb-Girdle Muscular Dystrophy Type 2B (LGMD2B); MUSCULAR DYSTROPHY, LIMB-GIRDLE, TYPE 3. Identifiers: Orphanet 268, MedGen C1850889, MONDO:0009676, OMIM 253601.

Allele frequency attached by ClinVar (database versions not stated): gnomAD exomes 0.00007 and 0.00013; ExAC 0.00015; ESP Exome Variant Server 0.00015; gnomAD 0.00029 and 0.00030; TOPMed 0.00038; 1000 Genomes Project 0.00060; 1000 Genomes Project 30x 0.00062.
gnomAD v4.1: 151 of 1,613,766 alleles (0.0094%); highest among the groups gnomAD compares: African/African-American, 0.097%; no homozygotes.

Submissions (8):

Revvity Omics, Revvity
Classification: Uncertain significance. Last evaluated: 2024-08-20. Review status: criteria provided, single submitter. Criteria: ACMG Guidelines, 2015. Collection method: clinical testing. Allele origin: germline.

Mayo Clinic Laboratories, Mayo Clinic
Classification: Uncertain significance. Last evaluated: 2024-03-05. Review status: criteria provided, single submitter. Criteria: ACMG Guidelines, 2015. Collection method: clinical testing. Allele origin: germline. Observed: 1 variant allele.

Labcorp Genetics (formerly Invitae), Labcorp
Classification: Uncertain significance for Neuromuscular disease caused by qualitative or quantitative defects of dysferlin. Last evaluated: 2022-07-26. Review status: criteria provided, single submitter. Criteria: Invitae Variant Classification Sherloc (09022015). Collection method: clinical testing. Allele origin: germline.
Comment: This sequence change affects codon 1982 of the DYSF mRNA. It is a 'silent' change, meaning that it does not change the encoded amino acid sequence of the DYSF protein. This variant also falls at the last nucleotide of exon 52, which is part of the consensus splice site for this exon. This variant is present in population databases (rs138936064, gnomAD 0.07%). This variant has been observed in individual(s) with clinical features of limb-girdle muscular dystrophy (PMID: 29970176). ClinVar contains an entry for this variant (Variation ID: 94350). Variants that disrupt the consensus splice site are a relatively common cause of aberrant splicing (PMID: 17576681, 9536098). Algorithms developed to predict the effect of sequence changes on RNA splicing suggest that this variant may create or strengthen a splice site. In summary, the available evidence is currently insufficient to determine the role of this variant in disease. Therefore, it has been classified as a Variant of Uncertain Significance.

Women's Health and Genetics/Laboratory Corporation of America, LabCorp
Classification: Uncertain significance. Last evaluated: 2022-03-28. Review status: criteria provided, single submitter. Criteria: LabCorp Variant Classification Summary - May 2015. Collection method: clinical testing. Allele origin: germline.
Comment: Variant summary: DYSF c.5946G>A (p.Ala1982Ala) alters a non-conserved nucleotide located at the end of an exon adjacent to the canonical 5' splice donor site and therefore could affect mRNA splicing, leading to a significantly altered protein sequence. 4/4 computational tools predict no significant impact on normal splicing, although a slight (possibly non-significant) weakening of the splice site is predicted. However, these predictions have yet to be confirmed by functional studies. The variant allele was found at a frequency of 0.00013 in 250946 control chromosomes. This frequency is not significantly higher than estimated for a pathogenic variant in DYSF causing Limb-Girdle Muscular Dystrophy, Autosomal Recessive (0.00013 vs 0.0031), allowing no conclusion about variant significance. c.5946G>A has been reported in the literature with another DYSF missense variant in at-least one individual reportedly affected with Limb-Girdle Muscular Dystrophy (example, Fichna_2018) who underwent whole exome sequencing (WES). The family history was reported as "AD?" implying an unclear inheritance pattern. These report(s) do not provide unequivocal conclusions about association of the variant with Limb-Girdle Muscular Dystrophy, Autosomal Recessive. To our knowledge, no experimental evidence demonstrating an impact on protein function has been reported. Four clinical diagnostic laboratories have submitted clinical-significance assessments for this variant to ClinVar after 2014 without evidence for independent evaluation. All laboratories classified the variant as uncertain significance. Based on the evidence outlined above, the variant was classified as uncertain significance.

Athena Diagnostics
Classification: Uncertain significance. Last evaluated: 2021-02-05. Review status: criteria provided, single submitter. Criteria: Athena Diagnostics criteria. Collection method: clinical testing. Allele origin: unknown.

Eurofins Ntd Llc (ga)
Classification: Uncertain significance. Last evaluated: 2018-03-08. Review status: criteria provided, single submitter. Criteria: EGL ClinVar v180209 classification definitions. Collection method: clinical testing. Allele origin: germline. Observed: 3 variant alleles, 3 heterozygotes.

Natera, Inc.
Classification: Uncertain significance for Limb-girdle muscular dystrophy type 2B. Last evaluated: 2020-01-14. Review status: no assertion criteria provided. Collection method: clinical testing. Allele origin: germline. Not counted in ClinVar's aggregate classification.

Counsyl
Classification: Uncertain significance for Autosomal recessive limb-girdle muscular dystrophy type 2B. Last evaluated: 2017-01-26. Review status: no assertion criteria provided. Collection method: clinical testing. Allele origin: unknown. Not counted in ClinVar's aggregate classification.

Literature cited by the submitters: PubMed 29970176 (cited by 4 submitters); PubMed 17576681 (cited by Labcorp Genetics (formerly Invitae), Labcorp); PubMed 9536098 (cited by Labcorp Genetics (formerly Invitae), Labcorp).

NM_001130987.2(DYSF):c.6063G>A (p.Ala2021=)

Gene: DYSF (dysferlin; plus strand). Cytogenetic location: 2p13.2.
Variant type: single nucleotide variant.
Coding change: c.6063G>A on transcript NM_001130987.2 (MANE Select); coding-DNA position 6063, G replaced by A.
Protein change: p.Ala2021=; no amino-acid change (alanine 2021 retained).
Molecular consequence: synonymous variant.
Genome position (GRCh38, 1-based): chr2:71,679,235, G>A. VCF-style: chr2-71679235-G-A. GRCh37 (hg19) VCF-style: chr2-71906365-G-A.
Other names: p.Ala1982=; c.5949G>A, p.Ala1983= (NM_001130455.2); c.5904G>A, p.Ala1968= (NM_001130976.2); c.5967G>A, p.Ala1989= (NM_001130977.2); c.6009G>A, p.Ala2003= (NM_001130978.2); c.6039G>A, p.Ala2013= (NM_001130979.2); c.5997G>A, p.Ala1999= (NM_001130980.2); c.6060G>A, p.Ala2020= (NM_001130981.2); and 6 more.
Identifiers: ClinVar variation 94350 (VCV000094350.15), dbSNP rs138936064, ClinGen allele CA222198.
Genomic context (GRCh38, chr2:71,679,235, plus strand): 5'-GAAAACAGTGAAGGGCTGGTGGCCCTGTGTAGCAGAAGAGGGTGAGAAGAAAATACTGGC[G>A]GTAAGTCTACTTCCTCCAGCCCCAGTGGAGGGCATGGGGGAAGCTTCTTCCATAGAAATT-3'
Protein context (NP_001124459.1, residues 2011-2031): VAEEGEKKIL[Ala2021=]GKLEMTLEIV